The following is an entry in ClinVar:

NM_019066.5(MAGEL2):c.1289T>G (p.Val430Gly)

Gene: MAGEL2 (MAGE family member L2; minus strand). Cytogenetic location: 15q11.2.
Variant type: single nucleotide variant.
Coding change: c.1289T>G on transcript NM_019066.5 (MANE Select); coding-DNA position 1289, T replaced by G.
Protein change: p.Val430Gly; replaces valine 430 with glycine.
Molecular consequence: missense variant.
Genome position (GRCh38, 1-based): chr15:23,646,454, A>C on the plus strand (T>G on the coding strand, the complement: MAGEL2 is on the minus strand). VCF-style: chr15-23646454-A-C. GRCh37 (hg19) VCF-style: chr15-23891601-A-C.
Other names: short protein forms V430G.
Identifiers: ClinVar variation 1319715 (VCV001319715.6), dbSNP rs1236824584, ClinGen allele CA391334620.
Genomic context (GRCh38, chr15:23,646,454, plus strand): 5'-ACGGGTGGGGCCTGGCGGATCACCGGTGGGGCCTGGCGGATCAGCGGTGGGGCCTGTCGC[A>C]CCGGTGGTGGGCCAGGGCGGATGGGTGGTGGGCCAGGGCGGATGGGCGGGGGCCCCTGGC-3'
Protein context (NP_061939.3, residues 420-440): PPPIRPGPPP[Val430Gly]RQAPPLIRQA

ClinVar aggregate classification (germline): Uncertain significance. Review status: criteria provided, multiple submitters, no conflicts (2 of 4 stars). 2 submissions from 2 submitters: Uncertain significance (2). Last evaluated 2023-03-03.

Submissions (2):

Labcorp Genetics (formerly Invitae), Labcorp
Classification: Uncertain significance. Last evaluated: 2023-03-03. Review status: criteria provided, single submitter. Criteria: Invitae Variant Classification Sherloc (09022015). Collection method: clinical testing. Allele origin: germline.
Comment: In summary, the available evidence is currently insufficient to determine the role of this variant in disease. Therefore, it has been classified as a Variant of Uncertain Significance. Experimental studies and prediction algorithms are not available or were not evaluated, and the functional significance of this variant is currently unknown. ClinVar contains an entry for this variant (Variation ID: 1319715). This variant has not been reported in the literature in individuals affected with MAGEL2-related conditions. This variant is not present in population databases (gnomAD no frequency). This sequence change replaces valine, which is neutral and non-polar, with glycine, which is neutral and non-polar, at codon 430 of the MAGEL2 protein (p.Val430Gly).

Institute for Clinical Genetics, University Hospital TU Dresden, University Hospital TU Dresden
Classification: Uncertain significance. Last evaluated: 2021-11-03. Review status: criteria provided, single submitter. Criteria: ACMG Guidelines, 2015. Collection method: clinical testing. Allele origin: germline.